The following is an entry in ClinVar:

NM_001126121.2(SLC25A19):c.550G>T (p.Ala184Ser)

Gene: SLC25A19 (solute carrier family 25 member 19; minus strand). Cytogenetic location: 17q25.1.
Variant type: single nucleotide variant.
Coding change: c.550G>T on transcript NM_001126121.2 (MANE Select); coding-DNA position 550, G replaced by T.
Protein change: p.Ala184Ser; replaces alanine 184 with serine.
Molecular consequence: missense variant.
Genome position (GRCh38, 1-based): chr17:75,278,245, C>A on the plus strand (G>T on the coding strand, the complement: SLC25A19 is on the minus strand). VCF-style: chr17-75278245-C-A. GRCh37 (hg19) VCF-style: chr17-73274326-C-A.
Other names: c.550G>T, p.Ala184Ser (NM_001126122.2, NM_021734.5); short protein forms A184S.
Identifiers: ClinVar variation 1966194 (VCV001966194.5), dbSNP rs769187207, ClinGen allele CA8760960.

ClinVar aggregate classification (germline): Uncertain significance (1 of 4 stars; one submission).

Allele frequency attached by ClinVar (database versions not stated): ExAC 0.00002.
gnomAD v4.1: 7 of 1,613,822 alleles (0.00043%); highest among the groups gnomAD compares: East Asian, 0.0045%; no homozygotes.

Submission:

Labcorp Genetics (formerly Invitae), Labcorp
Classification: Uncertain significance. Last evaluated: 2023-12-07. Review status: criteria provided, single submitter. Criteria: Invitae Variant Classification Sherloc (09022015). Collection method: clinical testing. Allele origin: germline.
Comment: This sequence change replaces alanine, which is neutral and non-polar, with serine, which is neutral and polar, at codon 184 of the SLC25A19 protein (p.Ala184Ser). This variant is present in population databases (rs769187207, gnomAD 0.004%). This variant has not been reported in the literature in individuals affected with SLC25A19-related conditions. ClinVar contains an entry for this variant (Variation ID: 1966194). Advanced modeling of protein sequence and biophysical properties (such as structural, functional, and spatial information, amino acid conservation, physicochemical variation, residue mobility, and thermodynamic stability) performed at Invitae indicates that this missense variant is not expected to disrupt SLC25A19 protein function with a negative predictive value of 80%. In summary, the available evidence is currently insufficient to determine the role of this variant in disease. Therefore, it has been classified as a Variant of Uncertain Significance.